The following is an entry in ClinVar:

NM_001370259.2(MEN1):c.1350G>A (p.Gln450=)

Gene: MEN1 (menin 1; minus strand). Cytogenetic location: 11q13.1.
Variant type: single nucleotide variant.
Coding change: c.1350G>A on transcript NM_001370259.2 (MANE Select); coding-DNA position 1350, G replaced by A.
Protein change: p.Gln450=; no amino-acid change (glutamine 450 retained).
Molecular consequence: synonymous variant.
Genome position (GRCh38, 1-based): chr11:64,805,034, C>T on the plus strand (G>A on the coding strand, the complement: MEN1 is on the minus strand). VCF-style: chr11-64805034-C-T. GRCh37 (hg19) VCF-style: chr11-64572506-C-T.
Other names: c.1365G>A, p.Gln455= (NM_000244.4, NM_130800.3, NM_130801.3 and 3 more transcripts); c.1476G>A, p.Gln492= (NM_001370251.2); c.1350G>A, p.Gln450= (NM_001370260.2, NM_001370261.2, NM_130799.3); c.1245G>A, p.Gln415= (NM_001370262.2, NM_001370263.2).
Identifiers: ClinVar variation 1059878 (VCV001059878.8), dbSNP rs1592636161, ClinGen allele CA475162759.
Genomic context (GRCh38, chr11:64,805,034, plus strand): 5'-CAAGCCCGTGGCTGCTGTCACCACCTGTAGTGCCCAGACCTCTGTGCAGCTGTCCCTCAC[C>T]TGTCCCTCAAAACGGCCTAGGGACTGCACAAGAAAGGTGGCCCAGCCCACATGCAGCACA-3'
Protein context (NP_001357188.2, residues 440-460): LVQSLGRFEG[Gln450=]VRQKVRIVSR

ClinVar aggregate classification (germline): Uncertain significance. Review status: criteria provided, multiple submitters, no conflicts (2 of 4 stars). 2 submissions from 2 submitters: Uncertain significance (2). Last evaluated 2023-05-30.

Conditions:
Multiple endocrine neoplasia, type 1 (MEN1). Also called: MEN I; WERMER SYNDROME; Endocrine adenomatosis multiple; MEN 1; MEA I. Identifiers: Orphanet 652, MedGen C0025267, MeSH D018761, MONDO:0007540, OMIM 131100.

Submissions (2):

All of Us Research Program, National Institutes of Health
Classification: Uncertain significance for Multiple endocrine neoplasia, type 1. Last evaluated: 2023-05-30. Review status: criteria provided, single submitter. Criteria: ACMG Guidelines, 2015. Collection method: clinical testing. Allele origin: germline. Inheritance: Autosomal dominant inheritance. Observed: 1 variant allele, 1 heterozygote.
Comment: This variant causes a G to A nucleotide substitution at the conserved last nucleotide of exon 9 in the MEN1 gene. This variant is predicted to impair RNA splicing at the intron 9 splice donor site. To our knowledge, functional studies have not been reported for this variant nor has this variant been reported in individuals affected with hereditary cancer in the literature. A different nucleotide substitution at this position, c.1350G>C (p.Gln450His), has been reported in individuals affected with multiple endocrine neoplasia or MEN1-related tumors (ClinVar: SCV001544725.2; PMID: 28938468) and to cause aberrant splicing (ClinVar: SCV001171307.3). This variant has not been identified in the general population by the Genome Aggregation Database (gnomAD). Although there is a suspicion that this variant may be associated with disease, additional RNA and clinical studies are necessary to determine the role of this variant in disease conclusively. Therefore, this variant is classified as a Variant of Uncertain Significance.

This study involves interpretation of variants in research participants for the purpose of population health screening. Participant phenotype was not available at the time of variant classification. Additional details can be found in publication PMID: 35346344, PMCID: PMC8962531

Labcorp Genetics (formerly Invitae), Labcorp
Classification: Uncertain significance for Multiple endocrine neoplasia, type 1. Last evaluated: 2022-01-28. Review status: criteria provided, single submitter. Criteria: Invitae Variant Classification Sherloc (09022015). Collection method: clinical testing. Allele origin: germline.
Comment: Variants that disrupt the consensus splice site are a relatively common cause of aberrant splicing (PMID: 17576681, 9536098). Algorithms developed to predict the effect of sequence changes on RNA splicing suggest that this variant may disrupt the consensus splice site. In summary, the available evidence is currently insufficient to determine the role of this variant in disease. Therefore, it has been classified as a Variant of Uncertain Significance. ClinVar contains an entry for this variant (Variation ID: 1059878). This variant has not been reported in the literature in individuals affected with MEN1-related conditions. This variant is not present in population databases (gnomAD no frequency). This sequence change affects codon 450 of the MEN1 mRNA. It is a 'silent' change, meaning that it does not change the encoded amino acid sequence of the MEN1 protein. This variant also falls at the last nucleotide of exon 9, which is part of the consensus splice site for this exon.

Literature cited by the submitters: PubMed 28938468 (cited by All of Us Research Program, National Institutes of Health); PubMed 17576681 (cited by Labcorp Genetics (formerly Invitae), Labcorp); PubMed 9536098 (cited by Labcorp Genetics (formerly Invitae), Labcorp).